The following is an entry in ClinVar:

NM_006084.5(IRF9):c.357C>T (p.Ile119=)

Gene: IRF9 (interferon regulatory factor 9; plus strand). Cytogenetic location: 14q12.
Variant type: single nucleotide variant.
Coding change: c.357C>T on transcript NM_006084.5 (MANE Select); coding-DNA position 357, C replaced by T.
Protein change: p.Ile119=; no amino-acid change (isoleucine 119 retained).
Molecular consequence: synonymous variant.
Genome position (GRCh38, 1-based): chr14:24,163,142, C>T. VCF-style: chr14-24163142-C-T. GRCh37 (hg19) VCF-style: chr14-24632351-C-T.
Other names: c.357C>T, p.Ile119= (NM_001385400.1, NM_001385401.1, NM_001385402.1).
Identifiers: ClinVar variation 2644131 (VCV002644131.27), dbSNP rs373179630, ClinGen allele CA7126405.
Genomic context (GRCh38, chr14:24,163,142, plus strand): 5'-GAGGGGCCGCATGGATGTTGCTGAGCCCTACAAGGTGTATCAGTTGCTGCCACCAGGAAT[C>T]GTCTCTGGTGAGTTTCCCCTTGTCCAACCACTGCTAGACTCAGCAGACTGGGGAGGAAGG-3'
Protein context (NP_006075.3, residues 109-129): YKVYQLLPPG[Ile119=]VSGQPGTQKV

ClinVar aggregate classification (germline): Likely benign. Review status: criteria provided, multiple submitters, no conflicts (2 of 4 stars). 2 submissions from 2 submitters: Likely benign (2). Last evaluated 2024-10-28.

Allele frequency attached by ClinVar (database versions not stated): gnomAD exomes 0.00001; ExAC 0.00002; gnomAD 0.00003; TOPMed 0.00003; ESP Exome Variant Server 0.00015.
gnomAD v4.1: 26 of 1,613,606 alleles (0.0016%); highest among the groups gnomAD compares: African/African-American, 0.0053%; no homozygotes.

Submissions (2):

Labcorp Genetics (formerly Invitae), Labcorp
Classification: Likely benign. Last evaluated: 2024-10-28. Review status: criteria provided, single submitter. Criteria: Invitae Variant Classification Sherloc (09022015). Collection method: clinical testing. Allele origin: germline.

CeGaT Center for Human Genetics Tuebingen
Classification: Likely benign. Last evaluated: 2022-03-01. Review status: criteria provided, single submitter. Criteria: CeGaT Center For Human Genetics Tuebingen Variant Classification Criteria Version 2. Collection method: clinical testing. Allele origin: germline. Affected: yes. Observed: 1 variant allele.
Comment: IRF9: BP4, BP7